The following is an entry in ClinVar:

ClinVar aggregate classification (germline): Pathogenic. Review status: criteria provided, multiple submitters, no conflicts (2 of 4 stars). 4 submissions from 4 submitters: Pathogenic (3). 1 of the submissions does not count toward it. Last evaluated 2021-06-16.

Conditions:
Familial long QT syndrome (RWS). Also called: Congenital long QT syndrome; Romano-Ward syndrome; VENTRICULAR FIBRILLATION WITH PROLONGED QT INTERVAL. Identifiers: Orphanet 768, MedGen C1141890, MONDO:0019171.
Long QT syndrome (LQTS). Identifiers: MedGen C0023976, MeSH D008133, MONDO:0002442. Disease mechanism: loss of function. Inheritance: Various modes of inheritance.
Long QT syndrome 1 (LQT1). Identifiers: Orphanet 101016, Orphanet 768, MedGen C4551647, MONDO:0100316, OMIM 192500, MONDO:0008646.

Submissions (4):

Labcorp Genetics (formerly Invitae), Labcorp
Classification: Pathogenic for Long QT syndrome. Last evaluated: 2021-06-16. Review status: criteria provided, single submitter. Criteria: Invitae Variant Classification Sherloc (09022015). Collection method: clinical testing. Allele origin: germline.
Comment: This variant has been reported to affect KCNQ1 protein function (PMID: 12710526). This sequence change replaces leucine with proline at codon 251 of the KCNQ1 protein (p.Leu251Pro). The leucine residue is highly conserved and there is a moderate physicochemical difference between leucine and proline. This variant is not present in population databases (ExAC no frequency). This variant has been observed to be de novo in an individual affected with long QT syndrome (LQTS) and segregated with LQTS in this individual's children (PMID: 10874277). This variant is also known as L122P in the literature. ClinVar contains an entry for this variant (Variation ID: 53095). For these reasons, this variant has been classified as Pathogenic.

MVZ Martinsried, Medicover Genetics
Classification: Pathogenic for Long QT syndrome 1. Last evaluated: 2020-06-26. Review status: criteria provided, single submitter. Criteria: ACGS Guidelines, 2020. Collection method: clinical testing. Allele origin: unknown. Affected: yes.

GeneDx
Classification: Pathogenic. Last evaluated: 2014-06-23. Review status: criteria provided, single submitter. Criteria: GeneDx Variant Classification (06012015). Collection method: clinical testing. Allele origin: germline. Affected: yes.
Comment: p.Leu251Pro (CTG>CCG): c.752 T>C in exon 5 of the KCNQ1 gene (NM_000218.2). The L251P mutation in the KCNQ1 gene has been reported in one Canadian family with three affected family members with ECG abnormalities consistent with LQTS (Krahn AD et al., 2000; Deschenes D et al., 2003). Krahn et al., 2000, identified the L251P mutation (reported at L122P in the LVKQT1 gene due to different nomenclature) in this family, which was absent from 668 normal controls (1336 alleles) of 6 different ethnic backgrounds. Deschenes D et al., 2003, studied this same Canadian family and showed that co-expressing the regulatory subunit of KCNQ1 (KCNE1) with equal amounts of wild type and L251P mutant DNA results in an 11-fold reduction in the amplitude of potassium currents in cells. This suggest that the P251L mutation creates a dominant negative effect on the KCNQ1 channel, resulting in the ECG abnormalities seen in this family (Deschenes D et al., 2003). Moreover, mutations in nearby residues (V241G, W248H, L250H, V254M, H258N) have been reported in association with LQTS, further supporting the functional importance of this region of the protein. Furthermore, the L251P mutation was not observed inapproximately 6,500 individuals of European and African American ancestry in the NHLBI Exome Sequencing Project, indicating it is not a common benign variant in these populations. In summary, L251P in the KCNQ1 gene is interpreted as a disease-causing mutation. The variant is found in LQT panel(s).

Cardiovascular Biomedical Research Unit, Royal Brompton & Harefield NHS Foundation Trust
No classification provided. Condition: Familial long QT syndrome. Review status: no classification provided. Collection method: literature only. Allele origin: germline. Not counted in ClinVar's aggregate classification.
Comment: This variant has been reported as associated with Long QT syndrome in the following publications (PMID:10874277;PMID:12710526). This is a literature report, and does not necessarily reflect the clinical interpretation of the Imperial College / Royal Brompton Cardiovascular Genetics laboratory.

Literature cited by the submitters: PubMed 12710526 (cited by Labcorp Genetics (formerly Invitae), Labcorp and Cardiovascular Biomedical Research Unit, Royal Brompton & Harefield NHS Foundation Trust); PubMed 10874277 (cited by Labcorp Genetics (formerly Invitae), Labcorp and Cardiovascular Biomedical Research Unit, Royal Brompton & Harefield NHS Foundation Trust); PubMed 22581653 (cited by Cardiovascular Biomedical Research Unit, Royal Brompton & Harefield NHS Foundation Trust).

NM_000218.3(KCNQ1):c.752T>C (p.Leu251Pro)

Gene: KCNQ1 (potassium voltage-gated channel subfamily Q member 1; plus strand). Cytogenetic location: 11p15.5.
Variant type: single nucleotide variant.
Coding change: c.752T>C on transcript NM_000218.3 (MANE Select); coding-DNA position 752, T replaced by C.
Protein change: p.Leu251Pro; replaces leucine 251 with proline.
Molecular consequence: missense variant.
Genome position (GRCh38, 1-based): chr11:2,572,081, T>C. VCF-style: chr11-2572081-T-C. GRCh37 (hg19) VCF-style: chr11-2593311-T-C.
Other names: p.L251P:CTG>CCG; c.752T>C (LRG_287t1); c.752T>C, p.Leu251Pro (NM_001406836.1); c.482T>C, p.Leu161Pro (NM_001406837.1); c.371T>C, p.Leu124Pro (NM_181798.2); short protein forms L251P, L124P, L161P.
Identifiers: ClinVar variation 53095 (VCV000053095.10), dbSNP rs199472716, ClinGen allele CA008083.